The following is an entry in ClinVar:

ClinVar aggregate classification (germline): Benign (0 of 4 stars; one submission).

Conditions:
ALPK2-related disorder. Also called: ALPK2-related condition.

Submission:

PreventionGenetics, part of Exact Sciences
Classification: Benign for ALPK2-related condition. Last evaluated: 2019-06-11. Review status: no assertion criteria provided. Collection method: clinical testing. Allele origin: germline.
Comment: This variant is classified as benign based on ACMG/AMP sequence variant interpretation guidelines (Richards et al. 2015 PMID: 25741868, with internal and published modifications).

NM_052947.4(ALPK2):c.6297-9_6297-8del

Gene: ALPK2 (alpha kinase 2; minus strand). Cytogenetic location: 18q21.31.
Variant type: Deletion.
Coding change: c.6297-9_6297-8del on transcript NM_052947.4 (MANE Select); 9 bases into the intron before coding-DNA position 6297 through 8 bases into the intron before coding-DNA position 6297, 2 bases deleted (AA; older notation c.6297-9_6297-8delAA).
Molecular consequence: intron variant.
Genome position (GRCh38, 1-based): chr18:58,482,047-58,482,048, TT deleted on the plus strand (AA on the coding strand, the reverse complement: ALPK2 is on the minus strand); deleting any 2 consecutive bases within chr18:58,482,047-58,482,049 gives the same sequence; the c. name uses the placement nearest the transcript's 3' end. VCF-style (leftmost placement, unchanged base first): chr18-58482046-GTT-G. GRCh37 (hg19) VCF-style: chr18-56149278-GTT-G.
Identifiers: ClinVar variation 3034246 (VCV003034246.2), dbSNP rs143338855, ClinGen allele CA8976185.
Genomic context (GRCh38, chr18:58,482,046, plus strand): 5'-GCTTTAAACTGATCAATGAAGGTCATGGAACAGTTGCCTTTAAATCCCTTGTACCTGTGA[GTT>G]TGGGTGGAAGGAAACATAGCTTTTAAAAACAGGACACTTTCATCAGTTTAAAAAGAAAAA-3'